The following is an entry in ClinVar:

ClinVar aggregate classification (germline): Uncertain significance (1 of 4 stars; one submission).

Conditions:
Adenylosuccinate lyase deficiency (ADSLD). Also called: ADSL DEFICIENCY. Identifiers: Orphanet 46, MedGen C0268126, MONDO:0007068, OMIM 103050.

Allele frequency attached by ClinVar (database versions not stated): TOPMed 0.00001.

Submission:

Labcorp Genetics (formerly Invitae), Labcorp
Classification: Uncertain significance for Adenylosuccinate lyase deficiency. Last evaluated: 2022-07-19. Review status: criteria provided, single submitter. Criteria: Invitae Variant Classification Sherloc (09022015). Collection method: clinical testing. Allele origin: germline.
Comment: This variant occurs in a non-coding region of the ADSL gene. It does not change the encoded amino acid sequence of the ADSL protein. This variant is not present in population databases (gnomAD no frequency). This variant has not been reported in the literature in individuals affected with ADSL-related conditions. Experimental studies and prediction algorithms are not available or were not evaluated, and the functional significance of this variant is currently unknown. In summary, the available evidence is currently insufficient to determine the role of this variant in disease. Therefore, it has been classified as a Variant of Uncertain Significance.

NC_000022.11:g.40346427C>G

Gene: ADSL (adenylosuccinate lyase; plus strand). Cytogenetic location: 22q13.1.
Variant type: single nucleotide variant.
Genome position: GRCh38 VCF-style: chr22-40346427-C-G. GRCh37 (hg19) VCF-style: chr22-40742431-C-G.
Identifiers: ClinVar variation 1441817 (VCV001441817.3), dbSNP rs2044138563, ClinGen allele CA2405715839.